The following is an entry in ClinVar:

ClinVar aggregate classification (germline): Uncertain significance (1 of 4 stars; one submission).

Conditions:
Hereditary cancer-predisposing syndrome. Also called: Neoplastic Syndromes, Hereditary; Tumor predisposition; Hereditary neoplastic syndrome; Hereditary Cancer Syndrome. Identifiers: Orphanet 140162, MedGen C0027672, MeSH D009386, MONDO:0015356.

Submission:

Ambry Genetics
Classification: Uncertain significance for Hereditary cancer-predisposing syndrome. Last evaluated: 2024-02-13. Review status: criteria provided, single submitter. Criteria: Ambry Variant Classification Scheme 2023. Collection method: clinical testing. Allele origin: germline.
Comment: The p.H511Y variant (also known as c.1531C>T), located in coding exon 15 of the POLE gene, results from a C to T substitution at nucleotide position 1531. The histidine at codon 511 is replaced by tyrosine, an amino acid with similar properties. This amino acid position is conserved. In addition, the in silico prediction for this alteration is inconclusive. Based on the available evidence, the clinical significance of this alteration remains unclear.

NM_006231.4(POLE):c.1531C>T (p.His511Tyr)

Gene: POLE (DNA polymerase epsilon, catalytic subunit; minus strand). Cytogenetic location: 12q24.33.
Variant type: single nucleotide variant.
Coding change: c.1531C>T on transcript NM_006231.4 (MANE Select); coding-DNA position 1531, C replaced by T.
Protein change: p.His511Tyr; replaces histidine 511 with tyrosine.
Molecular consequence: missense variant.
Genome position (GRCh38, 1-based): chr12:132,672,782, G>A on the plus strand (C>T on the coding strand, the complement: POLE is on the minus strand). VCF-style: chr12-132672782-G-A. GRCh37 (hg19) VCF-style: chr12-133249368-G-A.
Other names: short protein forms H511Y.
Identifiers: ClinVar variation 3225394 (VCV003225394.1), dbSNP rs2542136009, ClinGen allele CA387357350.